The following is an entry in ClinVar:

ClinVar aggregate classification (germline): Likely benign. Review status: criteria provided, multiple submitters, no conflicts (2 of 4 stars). 2 submissions from 2 submitters: Likely benign (2). Last evaluated 2026-09-01.

Conditions:
Leukocyte adhesion deficiency type II. Also called: CONGENITAL DISORDER OF GLYCOSYLATION, TYPE IIc; CDG IIc; Congenital disorder of glycosylation type 2C; CDG 2C; Leukocyte adhesion deficiency type 2; Rambam Hasharon syndrome. Identifiers: Orphanet 2968, Orphanet 99843, MedGen C0398739, MONDO:0009953, OMIM 266265.

Allele frequency attached by ClinVar (database versions not stated): ExAC 0.00001; gnomAD 0.00001; gnomAD exomes 0.00001 and 0.00003; TOPMed 0.00001.

Submissions (2):

CeGaT Center for Human Genetics Tuebingen
Classification: Likely benign. Last evaluated: 2026-09-01. Review status: criteria provided, single submitter. Criteria: CeGaT Center For Human Genetics Tuebingen Variant Classification Criteria Version 2. Collection method: clinical testing. Allele origin: germline. Affected: yes. Observed: 1 variant allele.
Comment: SLC35C1: BP4, BP7

Labcorp Genetics (formerly Invitae), Labcorp
Classification: Likely benign for Leukocyte adhesion deficiency type II. Last evaluated: 2025-06-24. Review status: criteria provided, single submitter. Criteria: Invitae Variant Classification Sherloc (09022015). Collection method: clinical testing. Allele origin: germline.

NM_018389.5(SLC35C1):c.354G>A (p.Leu118=)

Gene: SLC35C1 (solute carrier family 35 member C1; plus strand). Cytogenetic location: 11p11.2.
Variant type: single nucleotide variant.
Coding change: c.354G>A on transcript NM_018389.5 (MANE Select); coding-DNA position 354, G replaced by A.
Protein change: p.Leu118=; no amino-acid change (leucine 118 retained).
Molecular consequence: synonymous variant.
Genome position (GRCh38, 1-based): chr11:45,806,155, G>A. VCF-style: chr11-45806155-G-A. GRCh37 (hg19) VCF-style: chr11-45827706-G-A.
Other names: c.315G>A, p.Leu105= (NM_001145265.2, NM_001145266.2).
Identifiers: ClinVar variation 1117312 (VCV001117312.11), dbSNP rs777637034, ClinGen allele CA5958229.